The following is an entry in ClinVar:

ClinVar aggregate classification (germline): Likely benign. Review status: criteria provided, multiple submitters, no conflicts (2 of 4 stars). 2 submissions from 2 submitters: Likely benign (2). Last evaluated 2025-05-16.

Conditions:
ZFPM2-related disorder. Also called: ZFPM2-related condition.
46,XY sex reversal 9 (SRXY9). Also called: 46,XY SEX REVERSAL, ZFPM2-RELATED. Identifiers: Orphanet 251510, MedGen C4015129, MONDO:0014480, OMIM 616067.

Allele frequency attached by ClinVar (database versions not stated): gnomAD 0.00005; TOPMed 0.00005; ESP Exome Variant Server 0.00016.
gnomAD v4.1: 258 of 1,613,696 alleles (0.016%); highest among the groups gnomAD compares: Non-Finnish European, 0.02%; no homozygotes.

Submissions (2):

Labcorp Genetics (formerly Invitae), Labcorp
Classification: Likely benign for 46,XY sex reversal 9. Last evaluated: 2025-05-16. Review status: criteria provided, single submitter. Criteria: Invitae Variant Classification Sherloc (09022015). Collection method: clinical testing. Allele origin: germline.

PreventionGenetics, part of Exact Sciences
Classification: Likely benign for ZFPM2-related condition. Last evaluated: 2024-10-26. Review status: criteria provided, single submitter. Criteria: ACMG Guidelines, 2015. Collection method: clinical testing. Allele origin: germline.
Comment: This variant is classified as likely benign based on ACMG/AMP sequence variant interpretation guidelines (Richards et al. 2015 PMID: 25741868, with internal and published modifications).

NM_012082.4(ZFPM2):c.2262A>G (p.Pro754=)

Genes: ZFPM2 (zinc finger protein, FOG family member 2; plus strand), ZFPM2-AS1 (ZFPM2 antisense RNA 1; minus strand), LOC126860469 (BRD4-independent group 4 enhancer GRCh37_chr8:106814445-106815644; plus strand). Cytogenetic location: 8q23.1.
Variant type: single nucleotide variant.
Coding change: c.2262A>G on transcript NM_012082.4 (MANE Select); coding-DNA position 2262, A replaced by G.
Protein change: p.Pro754=; no amino-acid change (proline 754 retained).
Molecular consequence: synonymous variant.
Genome position (GRCh38, 1-based): chr8:105,802,344, A>G. VCF-style: chr8-105802344-A-G. GRCh37 (hg19) VCF-style: chr8-106814572-A-G.
Other names: c.2103A>G, p.Pro701= (NM_001362836.2); c.1866A>G, p.Pro622= (NM_001362837.2).
Identifiers: ClinVar variation 698203 (VCV000698203.8), dbSNP rs369014203, ClinGen allele CA4839882.